The following is an entry in ClinVar:

NM_001378454.1(ALMS1):c.12010C>G (p.Gln4004Glu)

Genes: ALMS1 (ALMS1 centrosome and basal body associated protein; plus strand), LOC126806252 (BRD4-independent group 4 enhancer GRCh37_chr2:73828496-73829695; plus strand). Cytogenetic location: 2p13.1.
Variant type: single nucleotide variant.
Coding change: c.12010C>G on transcript NM_001378454.1 (MANE Select); coding-DNA position 12010, C replaced by G.
Protein change: p.Gln4004Glu; replaces glutamine 4004 with glutamic acid.
Molecular consequence: missense variant.
Genome position (GRCh38, 1-based): chr2:73,601,332, C>G. VCF-style: chr2-73601332-C-G. GRCh37 (hg19) VCF-style: chr2-73828459-C-G.
Other names: c.12013C>G, p.Gln4005Glu (NM_015120.4); short protein forms Q4005E, Q4004E.
Identifiers: ClinVar variation 1354210 (VCV001354210.6), dbSNP rs2104196109, ClinGen allele CA347266384.

ClinVar aggregate classification (germline): Uncertain significance (1 of 4 stars; one submission).

Conditions:
Alstrom syndrome (ALMS). Identifiers: Orphanet 64, MedGen C0268425, MONDO:0008763, OMIM 203800.

Submission:

Labcorp Genetics (formerly Invitae), Labcorp
Classification: Uncertain significance for Alstrom syndrome. Last evaluated: 2022-08-31. Review status: criteria provided, single submitter. Criteria: Invitae Variant Classification Sherloc (09022015). Collection method: clinical testing. Allele origin: germline.
Comment: In summary, the available evidence is currently insufficient to determine the role of this variant in disease. Therefore, it has been classified as a Variant of Uncertain Significance. Experimental studies and prediction algorithms are not available or were not evaluated, and the functional significance of this variant is currently unknown. ClinVar contains an entry for this variant (Variation ID: 1354210). This variant has not been reported in the literature in individuals affected with ALMS1-related conditions. This variant is not present in population databases (gnomAD no frequency). This sequence change replaces glutamine, which is neutral and polar, with glutamic acid, which is acidic and polar, at codon 4005 of the ALMS1 protein (p.Gln4005Glu).